The following is an entry in ClinVar:

ClinVar aggregate classification (germline): Pathogenic. Review status: criteria provided, multiple submitters, no conflicts (2 of 4 stars). 2 submissions from 2 submitters: Pathogenic (2). Last evaluated 2025-02-26.

Conditions:
Cardiovascular phenotype. Identifiers: MedGen CN230736.
Alstrom syndrome (ALMS). Identifiers: Orphanet 64, MedGen C0268425, MONDO:0008763, OMIM 203800.

Allele frequency attached by ClinVar (database versions not stated): gnomAD exomes 0.00001; ExAC 0.00002.

Submissions (2):

Labcorp Genetics (formerly Invitae), Labcorp
Classification: Pathogenic for Alstrom syndrome. Last evaluated: 2025-02-26. Review status: criteria provided, single submitter. Criteria: Invitae Variant Classification Sherloc (09022015). Collection method: clinical testing. Allele origin: germline.
Comment: This sequence change creates a premature translational stop signal (p.Gln3669*) in the ALMS1 gene. It is expected to result in an absent or disrupted protein product. Loss-of-function variants in ALMS1 are known to be pathogenic (PMID: 17594715). This variant is present in population databases (rs773750204, gnomAD 0.002%). This premature translational stop signal has been observed in individual(s) with Alstrom syndrome (PMID: 17594715, 26111748). ClinVar contains an entry for this variant (Variation ID: 2203103). For these reasons, this variant has been classified as Pathogenic.

Ambry Genetics
Classification: Pathogenic for Cardiovascular phenotype. Last evaluated: 2021-08-20. Review status: criteria provided, single submitter. Criteria: Ambry Variant Classification Scheme 2023. Collection method: clinical testing. Allele origin: germline.
Comment: The c.11005C>T (p.Q3669*) alteration, located in exon 16 (coding exon 16) of the ALMS1 gene, consists of a C to T substitution at nucleotide position 11005. This changes the amino acid from a glutamine (Q) to a stop codon at amino acid position 3669. This alteration is expected to result in loss of function by premature protein truncation or nonsense-mediated mRNA decay. Based on data from gnomAD, the T allele has an overall frequency of <0.01% (2/249322) total alleles studied. The highest observed frequency was <0.01% (2/113072) of European (non-Finnish) alleles. This mutation has been reported in the compound heterozygous state with a second truncating alteration in ALMS1 in a patient with Alstr&ouml;m syndrome (Nadol, 2015). Based on the available evidence, this alteration is classified as pathogenic.

Literature cited by the submitters: PubMed 17594715 (cited by Labcorp Genetics (formerly Invitae), Labcorp); PubMed 26111748 (cited by Labcorp Genetics (formerly Invitae), Labcorp and Ambry Genetics).

NM_001378454.1(ALMS1):c.11002C>T (p.Gln3668Ter)

Gene: ALMS1 (ALMS1 centrosome and basal body associated protein; plus strand). Cytogenetic location: 2p13.1.
Variant type: single nucleotide variant.
Coding change: c.11002C>T on transcript NM_001378454.1 (MANE Select); coding-DNA position 11002, C replaced by T.
Protein change: p.Gln3668Ter; replaces glutamine 3668 with a stop codon.
Molecular consequence: nonsense.
Genome position (GRCh38, 1-based): chr2:73,572,879, C>T. VCF-style: chr2-73572879-C-T. GRCh37 (hg19) VCF-style: chr2-73800006-C-T.
Other names: c.11005C>T, p.Gln3669Ter (NM_015120.4); short protein forms Q3668*, Q3669*.
Identifiers: ClinVar variation 2203103 (VCV002203103.5), dbSNP rs773750204, ClinGen allele CA1715100.
Genomic context (GRCh38, chr2:73,572,879, plus strand): 5'-GAAAGTACACATGATGATAGCAGAGGGGAACGAAGTGTGAAGGAATGGAGTGGTAGACAA[C>T]AGCAGAGAAATAAGCTTCAGAAAAAGAAGCGGTTTAAAAGCCTAGAGAAAAGCCATAAAA-3'